The following is an entry in ClinVar:

ClinVar aggregate classification (germline): Uncertain significance (0 of 4 stars; one submission).

Conditions:
IFT88-related disorder. Also called: IFT88-related condition.

Submission:

PreventionGenetics, part of Exact Sciences
Classification: Uncertain significance for IFT88-related condition. Last evaluated: 2024-07-11. Review status: no assertion criteria provided. Collection method: clinical testing. Allele origin: germline.
Comment: The IFT88 c.1326+1G>T variant is predicted to disrupt the GT donor site and interfere with normal splicing. To our knowledge, this variant has not been reported in the literature or in a large population database, indicating this variant is rare. At this time, the clinical significance of this variant is uncertain due to the absence of conclusive functional and genetic evidence.

NM_006531.5(IFT88):c.1299+1G>T

Gene: IFT88 (intraflagellar transport 88; plus strand). Cytogenetic location: 13q12.11.
Variant type: single nucleotide variant.
Coding change: c.1299+1G>T on transcript NM_006531.5 (MANE Select); the canonical splice donor site of the intron after coding-DNA position 1299, G replaced by T.
Molecular consequence: splice donor variant.
Genome position (GRCh38, 1-based): chr13:20,625,850, G>T. VCF-style: chr13-20625850-G-T. GRCh37 (hg19) VCF-style: chr13-21199989-G-T.
Other names: c.1326+1G>T (NM_001318493.2, NM_175605.5, NM_001353566.2 and 2 more transcripts); c.1299+1G>T (NM_001353568.2, NM_001353572.2); c.1224+1G>T (NM_001353570.2, NM_001353576.2, NM_001353577.2 and 1 more transcripts); c.1197+1G>T (NM_001353571.2, NM_001353578.2); c.666+1G>T (NM_001353579.2); c.1242+1G>T (NM_001353575.2, NM_001318491.2); c.1155+1G>T (NM_001353573.2); c.1140+1G>T (NM_001353574.2).
Identifiers: ClinVar variation 3346498 (VCV003346498.1).